The following is an entry in ClinVar:

NM_000742.4(CHRNA2):c.73+6T>G

Gene: CHRNA2 (cholinergic receptor nicotinic alpha 2 subunit; minus strand). Cytogenetic location: 8p21.2.
Variant type: single nucleotide variant.
Coding change: c.73+6T>G on transcript NM_000742.4 (MANE Select); 6 bases into the intron after coding-DNA position 73, T replaced by G.
Molecular consequence: intron variant.
Genome position (GRCh38, 1-based): chr8:27,470,980, A>C on the plus strand (T>G on the coding strand, the complement: CHRNA2 is on the minus strand). VCF-style: chr8-27470980-A-C. GRCh37 (hg19) VCF-style: chr8-27328497-A-C.
Other names: c.-355+6T>G (NM_001347705.2); c.73+6T>G (NM_001282455.2); c.-389+6T>G (NM_001347708.2); c.-400+6T>G (NM_001347706.2); c.-341+6T>G (NM_001347707.2).
Identifiers: ClinVar variation 4725432 (VCV004725432.1).

ClinVar aggregate classification (germline): Uncertain significance (1 of 4 stars; one submission).

Conditions:
Familial sleep-related hypermotor epilepsy. Also called: Autosomal Dominant Sleep-Related Hypermotor (Hyperkinetic) Epilepsy. Identifiers: Orphanet 98784, MedGen C3696898, MONDO:0000030.

Submission:

Labcorp Genetics (formerly Invitae), Labcorp
Classification: Uncertain significance. Last evaluated: 2025-08-14. Review status: criteria provided, single submitter. Criteria: Invitae Variant Classification Sherloc (09022015). Collection method: clinical testing. Allele origin: germline.
Comment: This sequence change falls in intron 2 of the CHRNA2 gene. It does not directly change the encoded amino acid sequence of the CHRNA2 protein. It affects a nucleotide within the consensus splice site. This variant is not present in population databases (gnomAD no frequency). This variant has not been reported in the literature in individuals affected with CHRNA2-related conditions. Variants that disrupt the consensus splice site are a relatively common cause of aberrant splicing (PMID: 17576681, 9536098). Algorithms developed to predict the effect of sequence changes on RNA splicing suggest that this variant may disrupt the consensus splice site. In summary, the available evidence is currently insufficient to determine the role of this variant in disease. Therefore, it has been classified as a Variant of Uncertain Significance.

Literature cited by the submitters: PubMed 17576681; PubMed 9536098.